The following is an entry in ClinVar:

NM_001165963.4(SCN1A):c.4762T>C (p.Cys1588Arg)

Genes: SCN1A (sodium voltage-gated channel alpha subunit 1; minus strand), LOC102724058 (uncharacterized LOC102724058; plus strand). Cytogenetic location: 2q24.3.
Variant type: single nucleotide variant.
Coding change: c.4762T>C on transcript NM_001165963.4 (MANE Select); coding-DNA position 4762, T replaced by C.
Protein change: p.Cys1588Arg; replaces cysteine 1588 with arginine.
Molecular consequence: missense variant. On other transcripts: non-coding transcript variant (1).
Genome position (GRCh38, 1-based): chr2:165,994,236, A>G on the plus strand (T>C on the coding strand, the complement: SCN1A is on the minus strand). VCF-style: chr2-165994236-A-G. GRCh37 (hg19) VCF-style: chr2-166850746-A-G.
Other names: p.C1588R:TGT>CGT; c.4678T>C, p.Cys1560Arg (NM_001165964.3, NM_001353957.2, NM_001353958.2); c.4762T>C, p.Cys1588Arg (NM_001202435.3, NM_001353948.2); c.4729T>C, p.Cys1577Arg (NM_001353949.2, NM_001353950.2, NM_001353951.2 and 2 more transcripts); c.4726T>C, p.Cys1576Arg (NM_001353954.2, NM_001353955.2); c.4675T>C, p.Cys1559Arg (NM_001353960.2); c.2320T>C, p.Cys774Arg (NM_001353961.2); short protein forms C1577R, C1588R, C1560R, C1576R, C774R, C1559R.
Identifiers: ClinVar variation 68552 (VCV000068552.9), dbSNP rs121917919, ClinGen allele CA284979.

ClinVar aggregate classification (germline): Pathogenic/Likely pathogenic. Review status: criteria provided, multiple submitters, no conflicts (2 of 4 stars). 3 submissions from 3 submitters: Pathogenic (1); Likely pathogenic (1). 1 of the submissions does not count toward it. Last evaluated 2024-08-13.

Conditions:
Early-infantile DEE. Also called: Early infantile epileptic encephalopathy; Early infantile epileptic encephalopathy with suppression bursts; Ohtahara syndrome. Identifiers: Orphanet 1934, MedGen C0393706, MONDO:0800491.
Severe myoclonic epilepsy in infancy (DRVT). Also called: SEVERE MYOCLONIC EPILEPSY OF INFANCY; DEVELOPMENTAL AND EPILEPTIC ENCEPHALOPATHY 6A; Severe Myoclonic Epilepsy in Infancy (SMEI); Dravet syndrome; Epileptic encephalopathy, early infantile, 6 (Dravet syndrome). Identifiers: Orphanet 33069, MedGen C0751122, MONDO:0100135, OMIM 607208.

Submissions (3):

Labcorp Genetics (formerly Invitae), Labcorp
Classification: Pathogenic for Early-infantile DEE. Last evaluated: 2024-08-13. Review status: criteria provided, single submitter. Criteria: Invitae Variant Classification Sherloc (09022015). Collection method: clinical testing. Allele origin: germline.
Comment: This sequence change replaces cysteine, which is neutral and slightly polar, with arginine, which is basic and polar, at codon 1588 of the SCN1A protein (p.Cys1588Arg). This variant is not present in population databases (gnomAD no frequency). This missense change has been observed in individual(s) with SCN1A-related conditions (PMID: 17561957, 25818041). In at least one individual the variant was observed to be de novo. ClinVar contains an entry for this variant (Variation ID: 68552). Advanced modeling of protein sequence and biophysical properties (such as structural, functional, and spatial information, amino acid conservation, physicochemical variation, residue mobility, and thermodynamic stability) performed at Invitae indicates that this missense variant is expected to disrupt SCN1A protein function with a positive predictive value of 95%. For these reasons, this variant has been classified as Pathogenic.

GeneDx
Classification: Likely pathogenic. Last evaluated: 2016-12-21. Review status: criteria provided, single submitter. Criteria: GeneDx Variant Classification (06012015). Collection method: clinical testing. Allele origin: germline. Affected: yes.
Comment: p.Cys1588Arg (TGT>CGT): c.4762 T>C in exon 25 of the SCN1A gene (NM_001165963.1) A C1588R variant that is likely pathogenic has been identified in the SCN1A gene. The C1588R variant has been reported previously as a de novo variant in a patient with Dravet syndrome (Marini et al., 2007). The C1588R variant is not observed in large population cohorts (Lek et al., 2016; 1000 Genomes Consortium et al., 2015; Exome Variant Server). The C1588R variant is a non-conservative amino acid substitution, which is likely to impact secondary protein structure as these residues differ in polarity, charge, size and/or other properties. Additionally, this substitution alters a conserved position that is predicted to be within the transmembrane segment S2 of the fourth homologous domain, and in silico analysis predicts this variant is probably damaging to the protein structure/function. Furthermore, missense variants in nearby residues (G1586E, V1589G) have been reported in the Human Gene Mutation Database in association with SCN1A-related disorders (Stenson et al., 2014). Therefore, this variant is likely pathogenic; however, the possibility that it is benign cannot be excluded.

UniProtKB/Swiss-Prot
No classification provided. Condition: Severe myoclonic epilepsy in infancy. Review status: no classification provided. Collection method: not provided. Allele origin: unknown. Not counted in ClinVar's aggregate classification.

Literature cited by the submitters: PubMed 17561957 (cited by Labcorp Genetics (formerly Invitae), Labcorp); PubMed 25818041 (cited by Labcorp Genetics (formerly Invitae), Labcorp).